The following is an entry in ClinVar:

ClinVar aggregate classification (germline): Uncertain significance (1 of 4 stars; one submission).

Conditions:
Hepatic methionine adenosyltransferase deficiency. Also called: MAT I/III DEFICIENCY; Methionine adenosyltransferase deficiency; Deficiency of methionine adenosyltransferase; Isolated Persistent Hypermethioninemia. Identifiers: Orphanet 168598, MedGen C0268621, MeSH C564683, MONDO:0009607, OMIM 250850.

Allele frequency attached by ClinVar (database versions not stated): gnomAD exomes 0.00001.

Submission:

Labcorp Genetics (formerly Invitae), Labcorp
Classification: Uncertain significance for Hepatic methionine adenosyltransferase deficiency. Last evaluated: 2021-12-19. Review status: criteria provided, single submitter. Criteria: Invitae Variant Classification Sherloc (09022015). Collection method: clinical testing. Allele origin: germline.
Comment: In summary, the available evidence is currently insufficient to determine the role of this variant in disease. Therefore, it has been classified as a Variant of Uncertain Significance. Algorithms developed to predict the effect of sequence changes on RNA splicing suggest that this variant may create or strengthen a splice site. Algorithms developed to predict the effect of missense changes on protein structure and function are either unavailable or do not agree on the potential impact of this missense change (SIFT: "Deleterious"; PolyPhen-2: "Probably Damaging"; Align-GVGD: "Class C0"). This variant has not been reported in the literature in individuals affected with MAT1A-related conditions. This variant is present in population databases (no rsID available, gnomAD 0.0009%). This sequence change replaces glycine, which is neutral and non-polar, with serine, which is neutral and polar, at codon 140 of the MAT1A protein (p.Gly140Ser).

NM_000429.3(MAT1A):c.418G>A (p.Gly140Ser)

Gene: MAT1A (methionine adenosyltransferase 1A; minus strand). Cytogenetic location: 10q22.3.
Variant type: single nucleotide variant.
Coding change: c.418G>A on transcript NM_000429.3 (MANE Select); coding-DNA position 418, G replaced by A.
Protein change: p.Gly140Ser; replaces glycine 140 with serine.
Molecular consequence: missense variant.
Genome position (GRCh38, 1-based): chr10:80,280,304, C>T on the plus strand (G>A on the coding strand, the complement: MAT1A is on the minus strand). VCF-style: chr10-80280304-C-T. GRCh37 (hg19) VCF-style: chr10-82040060-C-T.
Other names: short protein forms G140S.
Identifiers: ClinVar variation 2198408 (VCV002198408.4), dbSNP rs1177713014, ClinGen allele CA377362867.